The following is an entry in ClinVar:

ClinVar aggregate classification (germline): Uncertain significance (1 of 4 stars; one submission).

Conditions:
Methylmalonic aciduria due to methylmalonyl-CoA mutase deficiency (MAMM). Also called: Methylmalonic aciduria, mut type. Identifiers: Orphanet 27, MedGen C1855114, MONDO:0009612, OMIM 251000.

Allele frequency attached by ClinVar (database versions not stated): gnomAD 0.00001; gnomAD exomes 0.00001 and 0.00004; TOPMed 0.00001; ExAC 0.00002.
gnomAD v4.1: 25 of 1,614,066 alleles (0.0015%); highest among the groups gnomAD compares: Middle Eastern, 0.016%; no homozygotes.

Submission:

Baylor Genetics
Classification: Uncertain significance for Methylmalonic aciduria due to methylmalonyl-CoA mutase deficiency. Last evaluated: 2020-02-04. Review status: criteria provided, single submitter. Criteria: ACMG Guidelines, 2015. Collection method: clinical testing. Allele origin: unknown. Affected: yes.
Comment: This variant was determined to be of uncertain significance according to ACMG Guidelines, 2015 [PMID:25741868].

NM_000255.4(MMUT):c.235A>G (p.Met79Val)

Gene: MMUT (methylmalonyl-CoA mutase; minus strand). Cytogenetic location: 6p12.3.
Variant type: single nucleotide variant.
Coding change: c.235A>G on transcript NM_000255.4 (MANE Select); coding-DNA position 235, A replaced by G.
Protein change: p.Met79Val; replaces methionine 79 with valine.
Molecular consequence: missense variant.
Genome position (GRCh38, 1-based): chr6:49,459,232, T>C on the plus strand (A>G on the coding strand, the complement: MMUT is on the minus strand). VCF-style: chr6-49459232-T-C. GRCh37 (hg19) VCF-style: chr6-49426945-T-C.
Other names: short protein forms M79V.
Identifiers: ClinVar variation 1028161 (VCV001028161.1), dbSNP rs751177187, ClinGen allele CA3847154.
Genomic context (GRCh38, chr6:49,459,232, plus strand): 5'-TGGTAGGATATGGTCCACGTGTGAATGGCTTCACTCCTGGAAGTTCTTCAGGTAAGTCCA[T>C]AGTATCTCTCTTGGAATACAAGGGTTTTATAGAGATCCCTTCCGGGGTGTGCCATATTAG-3'
Protein context (NP_000246.2, residues 69-89): IKPLYSKRDT[Met79Val]DLPEELPGVK